The following is an entry in ClinVar:

ClinVar aggregate classification (germline): Likely benign. Review status: criteria provided, multiple submitters, no conflicts (2 of 4 stars). 4 submissions from 4 submitters: Likely benign (3). 1 of the submissions does not count toward it. Last evaluated 2025-06-17.

Conditions:
ARL3-related disorder. Also called: ARL3-related condition.

Allele frequency attached by ClinVar (database versions not stated): gnomAD 0.00004 and 0.00005; gnomAD exomes 0.00005 and 0.00006; TOPMed 0.00005; ExAC 0.00006.
gnomAD v4.1: 92 of 1,612,498 alleles (0.0057%); highest among the groups gnomAD compares: South Asian, 0.0077%; no homozygotes.

Submissions (4):

Labcorp Genetics (formerly Invitae), Labcorp
Classification: Likely benign. Last evaluated: 2025-06-17. Review status: criteria provided, single submitter. Criteria: Invitae Variant Classification Sherloc (09022015). Collection method: clinical testing. Allele origin: germline.

CeGaT Center for Human Genetics Tuebingen
Classification: Likely benign. Last evaluated: 2025-04-01. Review status: criteria provided, single submitter. Criteria: CeGaT Center For Human Genetics Tuebingen Variant Classification Criteria Version 2. Collection method: clinical testing. Allele origin: germline. Affected: yes. Observed: 1 variant allele.
Comment: ARL3: BP4, BP7

Blueprint Genetics
Classification: Likely benign. Last evaluated: 2023-09-19. Review status: criteria provided, single submitter. Criteria: ACMG Guidelines, 2015. Collection method: clinical testing. Allele origin: germline.

PreventionGenetics, part of Exact Sciences
Classification: Likely benign for ARL3-related condition. Last evaluated: 2019-07-08. Review status: no assertion criteria provided. Collection method: clinical testing. Allele origin: germline. Not counted in ClinVar's aggregate classification.
Comment: This variant is classified as likely benign based on ACMG/AMP sequence variant interpretation guidelines (Richards et al. 2015 PMID: 25741868, with internal and published modifications).

NM_004311.4(ARL3):c.324G>A (p.Ala108=)

Gene: ARL3 (ARF like GTPase 3; minus strand). Cytogenetic location: 10q24.32.
Variant type: single nucleotide variant.
Coding change: c.324G>A on transcript NM_004311.4 (MANE Select); coding-DNA position 324, G replaced by A.
Protein change: p.Ala108=; no amino-acid change (alanine 108 retained).
Molecular consequence: synonymous variant.
Genome position (GRCh38, 1-based): chr10:102,685,993, C>T on the plus strand (G>A on the coding strand, the complement: ARL3 is on the minus strand). VCF-style: chr10-102685993-C-T. GRCh37 (hg19) VCF-style: chr10-104445750-C-T.
Other names: c.324G>A (NM_004311.3).
Identifiers: ClinVar variation 1148387 (VCV001148387.19), dbSNP rs770491993, ClinGen allele CA5668446.